The following is an entry in ClinVar:

ClinVar aggregate classification (germline): Pathogenic. Review status: criteria provided, multiple submitters, no conflicts (2 of 4 stars). 2 submissions from 2 submitters: Pathogenic (2). Last evaluated 2023-12-11.

Conditions:
Neurofibromatosis, type 1 (NF1). Also called: VON RECKLINGHAUSEN DISEASE; Neurofibromatosis, type I; NEUROFIBROMATOSIS, TYPE I, SOMATIC; Peripheral type neurofibromatosis. Identifiers: Orphanet 636, MedGen C0027831, MONDO:0018975, OMIM 162200. Disease mechanism: loss of function.

Submissions (2):

Labcorp Genetics (formerly Invitae), Labcorp
Classification: Pathogenic for Neurofibromatosis, type 1. Last evaluated: 2023-12-11. Review status: criteria provided, single submitter. Criteria: Invitae Variant Classification Sherloc (09022015). Collection method: clinical testing. Allele origin: germline.
Comment: This sequence change creates a premature translational stop signal (p.Arg2390Asnfs*10) in the NF1 gene. It is expected to result in an absent or disrupted protein product. Loss-of-function variants in NF1 are known to be pathogenic (PMID: 10712197, 23913538). This variant is not present in population databases (gnomAD no frequency). This premature translational stop signal has been observed in individual(s) with neurofibromatosis type1 (PMID: 31370276). ClinVar contains an entry for this variant (Variation ID: 1394552). For these reasons, this variant has been classified as Pathogenic.

Institute of Medical Genetics and Applied Genomics, University Hospital Tübingen
Classification: Pathogenic for Neurofibromatosis, type 1. Last evaluated: 2023-12-06. Review status: criteria provided, single submitter. Criteria: ACMG Guidelines, 2015. Collection method: clinical testing. Allele origin: germline. Inheritance: Autosomal dominant inheritance. Affected: yes.

Literature cited by the submitters: PubMed 10712197 (cited by Labcorp Genetics (formerly Invitae), Labcorp); PubMed 23913538 (cited by Labcorp Genetics (formerly Invitae), Labcorp); PubMed 31370276 (cited by Labcorp Genetics (formerly Invitae), Labcorp).

NM_001042492.3(NF1):c.7232_7233del (p.Arg2411fs)

Gene: NF1 (neurofibromin 1; plus strand). Cytogenetic location: 17q11.2.
Variant type: Deletion.
Coding change: c.7232_7233del on transcript NM_001042492.3 (MANE Select); coding-DNA positions 7232 to 7233, 2 bases deleted (GA; older notation c.7232_7233delGA).
Protein change: p.Arg2411fs; shifts the reading frame from arginine 2411.
Molecular consequence: frameshift variant.
Genome position (GRCh38, 1-based): chr17:31,349,162-31,349,163, GA deleted; deleting any 2 consecutive bases within chr17:31,349,161-31,349,163 gives the same sequence; the c. name uses the placement nearest the transcript's 3' end. VCF-style (leftmost placement, unchanged base first): chr17-31349160-CAG-C. GRCh37 (hg19) VCF-style: chr17-29676178-CAG-C.
Other names: c.7169_7170delGA, p.Arg2390Asnfs (NM_000267.4); short protein forms R2390fs, R2411fs.
Identifiers: ClinVar variation 1394552 (VCV001394552.6), dbSNP rs2151572602, ClinGen allele CA2573153820.
Genomic context (GRCh38, chr17:31,349,160, plus strand): 5'-TGTTTGTTTGTTTTTTGTAGGGTACAGGCATCCTTCACCTGCTATTGTTGCAAGAACAGT[CAG>C]AATTTTACATACACTACTAACTCTGGTTAACAAACACAGAAATTGTGACAAATTTGAAGT-3'